The following is an entry in ClinVar:

ClinVar aggregate classification (germline): Uncertain significance (1 of 4 stars; one submission).

Conditions:
Cardiovascular phenotype. Identifiers: MedGen CN230736.

Allele frequency attached by ClinVar (database versions not stated): ExAC 0.00001; gnomAD 0.00001.
gnomAD v4.1: 3 of 1,613,330 alleles (0.00019%); highest among the groups gnomAD compares: East Asian, 0.0022%; no homozygotes.

Submission:

Ambry Genetics
Classification: Uncertain significance for Cardiovascular phenotype. Last evaluated: 2022-12-19. Review status: criteria provided, single submitter. Criteria: Ambry Variant Classification Scheme 2023. Collection method: clinical testing. Allele origin: germline.
Comment: The p.P1201S variant (also known as c.3601C>T), located in coding exon 6 of the ALPK3 gene, results from a C to T substitution at nucleotide position 3601. The proline at codon 1201 is replaced by serine, an amino acid with similar properties. This amino acid position is well conserved in available vertebrate species. In addition, this alteration is predicted to be tolerated by in silico analysis. Since supporting evidence is limited at this time, the clinical significance of this alteration remains unclear.

NM_020778.5(ALPK3):c.2995C>T (p.Pro999Ser)

Gene: ALPK3 (alpha kinase 3; plus strand). Cytogenetic location: 15q25.3.
Variant type: single nucleotide variant.
Coding change: c.2995C>T on transcript NM_020778.5 (MANE Select); coding-DNA position 2995, C replaced by T.
Protein change: p.Pro999Ser; replaces proline 999 with serine.
Molecular consequence: missense variant.
Genome position (GRCh38, 1-based): chr15:84,857,733, C>T. VCF-style: chr15-84857733-C-T. GRCh37 (hg19) VCF-style: chr15-85400964-C-T.
Other names: short protein forms P999S.
Identifiers: ClinVar variation 2449096 (VCV002449096.2), dbSNP rs767387547, ClinGen allele CA7709535.